The following is an entry in ClinVar:

NM_000492.4(CFTR):c.3254del (p.His1085fs)

Genes: CFTR (CF transmembrane conductance regulator; plus strand), CFTR-AS2 (CFTR antisense RNA 2; minus strand), LOC111674472 (DNase I hypersensitive sites in introns 16 and 17a of CFTR; plus strand). Cytogenetic location: 7q31.2.
Variant type: Deletion.
Coding change: c.3254del on transcript NM_000492.4 (MANE Select); coding-DNA position 3254, one base deleted (A; older notation c.3254delA).
Protein change: p.His1085fs; shifts the reading frame from histidine 1085.
Molecular consequence: frameshift variant.
Genome position (GRCh38, 1-based): chr7:117,611,695, A deleted. VCF-style (leftmost placement, unchanged base first): chr7-117611694-CA-C. GRCh37 (hg19) VCF-style: chr7-117251748-CA-C.
Other names: c.3254delA, p.His1085Leufs (NM_000492.3); short protein forms H1085fs.
Identifiers: ClinVar variation 4064483 (VCV004064483.2).

ClinVar aggregate classification (germline): Likely pathogenic (1 of 4 stars; one submission).

Conditions:
CFTR-related disorder (CFTR-RD). Also called: CFTR-related disorders; CFTR-related condition. Identifiers: MedGen C5924204, MONDO:7770004.

Submission:

Natera, Inc.
Classification: Likely pathogenic for CFTR-related disorders. Last evaluated: 2025-04-11. Review status: criteria provided, single submitter. Criteria: Natera Variant Classification Schema (03/2026). Collection method: clinical testing. Allele origin: germline.
Comment: The c.3254del variant in CFTR is a frameshift variant predicted to shift the reading frame beginning at codon 1085 and leads to a stop codon 17 codons downstream. This variant is expected to result in nonsense mediated decay, truncation, or a dysfunctional protein product. This variant is rare in the general population with a frequency below the threshold expected for the associated phenotype(s). Given the available evidence, this variant is classified as Likely Pathogenic.